The following is an entry in ClinVar:

ClinVar aggregate classification (germline): Likely pathogenic (1 of 4 stars; one submission).

Conditions:
Cardiovascular phenotype. Identifiers: MedGen CN230736.

Submission:

Ambry Genetics
Classification: Likely pathogenic for Cardiovascular phenotype. Last evaluated: 2022-12-02. Review status: criteria provided, single submitter. Criteria: Ambry Variant Classification Scheme 2023. Collection method: clinical testing. Allele origin: germline.
Comment: The c.28297delC variant, located in coding exon 114 of the TTN gene, results from a deletion of one nucleotide at nucleotide position 28297, causing a translational frameshift with a predicted alternate stop codon (p.L9433Ffs*42). This exon is located in the A-band region of the N2-B isoform of the titin protein and is constitutively expressed in TTN transcripts (percent spliced in or PSI 100%). This variant is considered to be rare based on population cohorts in the Genome Aggregation Database (gnomAD). This alteration is expected to result in loss of function by premature protein truncation or nonsense-mediated mRNA decay. While truncating variants in TTN are present in 1-3% of the general population, truncating variants in the A-band are the most common cause of dilated cardiomyopathy (DCM) (Herman DS et al. N. Engl. J. Med., 2012 Feb;366:619-28; Roberts AM et al. Sci Transl Med, 2015 Jan;7:270ra6). TTN truncating variants encoded in constitutive exons (PSI >90%) have been found to be significantly associated with DCM regardless of their position in titin (Schafer S et al. Nat. Genet., 2017 01;49:46-53). Based on the majority of available evidence to date, this variant is likely to be pathogenic.

NM_001267550.2(TTN):c.55492del (p.Leu18498fs)

Genes: TTN-AS1 (TTN antisense RNA 1; plus strand), TTN (titin; minus strand). Cytogenetic location: 2q31.2.
Variant type: Deletion.
Coding change: c.55492del on transcript NM_001267550.2 (MANE Select); coding-DNA position 55492, one base deleted (C; older notation c.55492delC).
Protein change: p.Leu18498fs; shifts the reading frame from leucine 18498.
Molecular consequence: frameshift variant.
Genome position (GRCh38, 1-based): chr2:178,601,505, G deleted on the plus strand (C on the coding strand, the reverse complement: TTN is on the minus strand). VCF-style (leftmost placement, unchanged base first): chr2-178601504-AG-A. GRCh37 (hg19) VCF-style: chr2-179466231-AG-A.
Other names: c.50569del, p.Leu16857fs (NM_001256850.1); c.28297del, p.Leu9433fs (NM_003319.4); c.47788del, p.Leu15930fs (NM_133378.4); c.28672del, p.Leu9558fs (NM_133432.3); c.28873del, p.Leu9625fs (NM_133437.4); c.28297delC (NM_003319.4); short protein forms L15930fs, L18498fs, L9433fs, L16857fs, L9558fs, L9625fs.
Identifiers: ClinVar variation 2447070 (VCV002447070.2), dbSNP rs2470004236, ClinGen allele CA2580064695.